The following is an entry in ClinVar:

NM_001042750.2(STAG2):c.2807A>T (p.Tyr936Phe)

Gene: STAG2 (STAG2 cohesin complex component; plus strand). Cytogenetic location: Xq25.
Variant type: single nucleotide variant.
Coding change: c.2807A>T on transcript NM_001042750.2 (MANE Select); coding-DNA position 2807, A replaced by T.
Protein change: p.Tyr936Phe; replaces tyrosine 936 with phenylalanine.
Molecular consequence: missense variant.
Genome position (GRCh38, 1-based): chrX:124,081,411, A>T. VCF-style: chrX-124081411-A-T. GRCh37 (hg19) VCF-style: chrX-123215261-A-T.
Other names: c.2807A>T, p.Tyr936Phe (NM_001375372.1, NM_001375373.1, NM_001375374.1 and 23 more transcripts); short protein forms Y936F.
Identifiers: ClinVar variation 4885476 (VCV004885476.2).

ClinVar aggregate classification (germline): Uncertain significance (1 of 4 stars; one submission).

gnomAD v4.1: 1 of 1,166,231 alleles (0.000086%); highest among the groups gnomAD compares: Admixed American, 0.0025%; no homozygotes.

Submission:

Dasa
Classification: Uncertain significance. Last evaluated: 2025-09-22. Review status: criteria provided, single submitter. Criteria: DASA Assertion Criteria. Collection method: clinical testing. Allele origin: germline.
Comment: NM_001042750.2(STAG2):c.2807A>T (p.Tyr936Phe) is a missense variant that results in the substitution of tyrosine with phenylalanine. This variant is rare in population databases. Computational prediction algorithms are consistent with a benign effect. The currently available literature and clinical evidence are not sufficient to establish a definitive association between this variant and the reported condition. Therefore, this variant is classified as a variant of uncertain significance.